The following is an entry in ClinVar:

NM_000090.4(COL3A1):c.4143G>T (p.Gln1381His)

Gene: COL3A1 (collagen type III alpha 1 chain; plus strand). Cytogenetic location: 2q32.2.
Variant type: single nucleotide variant.
Coding change: c.4143G>T on transcript NM_000090.4 (MANE Select); coding-DNA position 4143, G replaced by T.
Protein change: p.Gln1381His; replaces glutamine 1381 with histidine.
Molecular consequence: missense variant.
Genome position (GRCh38, 1-based): chr2:189,010,779, G>T. VCF-style: chr2-189010779-G-T. GRCh37 (hg19) VCF-style: chr2-189875505-G-T.
Other names: short protein forms Q1381H.
Identifiers: ClinVar variation 924374 (VCV000924374.10), dbSNP rs1029608155, ClinGen allele CA62564446.

ClinVar aggregate classification (germline): Uncertain significance. Review status: criteria provided, multiple submitters, no conflicts (2 of 4 stars). 2 submissions from 2 submitters: Uncertain significance (2). Last evaluated 2025-02-17.

Conditions:
Familial thoracic aortic aneurysm and aortic dissection (TAAD). Also called: Thoracic aortic aneurysms and dissections. Identifiers: Orphanet 91387, MedGen C4707243, MONDO:0019625.
Ehlers-Danlos syndrome, type 4 (EDSVASC). Also called: Ehlers-Danlos Syndrome Type IV; Ehlers-Danlos syndrome vascular type; Ehlers Danlos syndrome, ecchymotic type; Ehlers Danlos syndrome, arterial type; Ehlers Danlos syndrome, Sack-Barabas type. Identifiers: Orphanet 286, MedGen C0268338, MONDO:0017314, OMIM 130050.

Allele frequency attached by ClinVar (database versions not stated): TOPMed below 0.00001.

Submissions (2):

Labcorp Genetics (formerly Invitae), Labcorp
Classification: Uncertain significance for Ehlers-Danlos syndrome, type 4. Last evaluated: 2025-02-17. Review status: criteria provided, single submitter. Criteria: Invitae Variant Classification Sherloc (09022015). Collection method: clinical testing. Allele origin: germline.
Comment: This sequence change replaces glutamine, which is neutral and polar, with histidine, which is basic and polar, at codon 1381 of the COL3A1 protein (p.Gln1381His). This variant is not present in population databases (gnomAD no frequency). This variant has not been reported in the literature in individuals affected with COL3A1-related conditions. ClinVar contains an entry for this variant (Variation ID: 924374). Invitae Evidence Modeling of protein sequence and biophysical properties (such as structural, functional, and spatial information, amino acid conservation, physicochemical variation, residue mobility, and thermodynamic stability) indicates that this missense variant is not expected to disrupt COL3A1 protein function with a negative predictive value of 95%. In summary, the available evidence is currently insufficient to determine the role of this variant in disease. Therefore, it has been classified as a Variant of Uncertain Significance.

Color Diagnostics, LLC DBA Color Health
Classification: Uncertain significance for Familial thoracic aortic aneurysm and aortic dissection. Last evaluated: 2023-01-23. Review status: criteria provided, single submitter. Criteria: ACMG Guidelines, 2015. Collection method: clinical testing. Allele origin: germline.
Comment: This missense variant replaces glutamine with histidine at codon 1381 of the COL3A1 protein. Computational prediction suggests that this variant may not impact protein structure and function (internally defined REVEL score threshold <= 0.5, PMID: 27666373). To our knowledge, functional studies have not been reported for this variant. This variant has not been reported in individuals affected with COL3A1-related disorders in the literature. This variant has not been identified in the general population by the Genome Aggregation Database (gnomAD). The available evidence is insufficient to determine the role of this variant in disease conclusively. Therefore, this variant is classified as a Variant of Uncertain Significance.